The following is an entry in ClinVar:

NM_001134363.3(RBM20):c.3278A>T (p.Asp1093Val)

Gene: RBM20 (RNA binding motif protein 20; plus strand). Cytogenetic location: 10q25.2.
Variant type: single nucleotide variant.
Coding change: c.3278A>T on transcript NM_001134363.3 (MANE Select); coding-DNA position 3278, A replaced by T.
Protein change: p.Asp1093Val; replaces aspartic acid 1093 with valine.
Molecular consequence: missense variant.
Genome position (GRCh38, 1-based): chr10:110,821,897, A>T. VCF-style: chr10-110821897-A-T. GRCh37 (hg19) VCF-style: chr10-112581655-A-T.
Other names: short protein forms D1093V.
Identifiers: ClinVar variation 962913 (VCV000962913.14), dbSNP rs748335429, ClinGen allele CA5688744.
Genomic context (GRCh38, chr10:110,821,897, plus strand): 5'-AAGATGGGGCTTGTGAAGGCAGCCCCCTGGAGGAGAAAGCCAGCCCCCCCATCGAAACTG[A>T]CCTCCAAAACCAAGCTTGCCAAGAAGTGTTGACCCCGGGTAACTATCTCCCCTTTCCTCA-3'
Protein context (NP_001127835.2, residues 1083-1103): EEKASPPIET[Asp1093Val]LQNQACQEVL

ClinVar aggregate classification (germline): Conflicting classifications of pathogenicity. Review status: criteria provided, conflicting classifications (1 of 4 stars). 3 submissions from 3 submitters: Uncertain significance (2); Benign (1). Last evaluated 2024-10-23.

Conditions:
Cardiovascular phenotype. Identifiers: MedGen CN230736.
Dilated cardiomyopathy 1DD (CMD1DD). Identifiers: Orphanet 154, MedGen C2750995, MONDO:0013168, OMIM 613172.

Allele frequency attached by ClinVar (database versions not stated): gnomAD exomes 0.00001; TOPMed 0.00001; ExAC 0.00005.

Submissions (3):

Labcorp Genetics (formerly Invitae), Labcorp
Classification: Benign for Dilated cardiomyopathy 1DD. Last evaluated: 2024-10-23. Review status: criteria provided, single submitter. Criteria: Invitae Variant Classification Sherloc (09022015). Collection method: clinical testing. Allele origin: germline.

Ambry Genetics
Classification: Uncertain significance for Cardiovascular phenotype. Last evaluated: 2020-07-28. Review status: criteria provided, single submitter. Criteria: Ambry Variant Classification Scheme 2023. Collection method: clinical testing. Allele origin: germline.
Comment: The p.D1093V variant (also known as c.3278A>T), located in coding exon 11 of the RBM20 gene, results from an A to T substitution at nucleotide position 3278. The aspartic acid at codon 1093 is replaced by valine, an amino acid with highly dissimilar properties. This amino acid position is not well conserved in available vertebrate species. In addition, this alteration is predicted to be tolerated by in silico analysis. Since supporting evidence is limited at this time, the clinical significance of this alteration remains unclear.

GeneDx
Classification: Uncertain significance. Last evaluated: 2019-05-03. Review status: criteria provided, single submitter. Criteria: GeneDx Variant Classification Process June 2021. Collection method: clinical testing. Allele origin: germline. Affected: yes.
Comment: Has not been previously published as pathogenic or benign to our knowledge; Not observed at a significant frequency in large population cohorts (Lek et al., 2016); In silico analysis, which includes protein predictors and evolutionary conservation, supports that this variant does not alter protein structure/function